The following is an entry in ClinVar:

NM_000256.3(MYBPC3):c.547C>T (p.Leu183Phe)

Gene: MYBPC3 (myosin binding protein C3; minus strand). Cytogenetic location: 11p11.2.
Variant type: single nucleotide variant.
Coding change: c.547C>T on transcript NM_000256.3 (MANE Select); coding-DNA position 547, C replaced by T.
Protein change: p.Leu183Phe; replaces leucine 183 with phenylalanine.
Molecular consequence: missense variant.
Genome position (GRCh38, 1-based): chr11:47,349,881, G>A on the plus strand (C>T on the coding strand, the complement: MYBPC3 is on the minus strand). VCF-style: chr11-47349881-G-A. GRCh37 (hg19) VCF-style: chr11-47371432-G-A.
Other names: short protein forms L183F.
Identifiers: ClinVar variation 921004 (VCV000921004.15), dbSNP rs1293264960, ClinGen allele CA380338006.

ClinVar aggregate classification (germline): Uncertain significance. Review status: criteria provided, multiple submitters, no conflicts (2 of 4 stars). 4 submissions from 4 submitters: Uncertain significance (4). Last evaluated 2025-02-20.

Conditions:
Cardiomyopathy (CMYO). Also called: Cardiomyopathies. Identifiers: Orphanet 167848, MedGen C0878544, MONDO:0004994, HP:0001638. Inheritance: Various modes of inheritance.
Cardiovascular phenotype. Identifiers: MedGen CN230736.
Hypertrophic cardiomyopathy. Also called: HYPERTROPHIC MYOCARDIOPATHY. Identifiers: Orphanet 217569, MedGen C0007194, MeSH D002312, MONDO:0005045, HP:0001639.

Allele frequency attached by ClinVar (database versions not stated): TOPMed below 0.00001; gnomAD 0.00001.
gnomAD v4.1: 2 of 1,611,462 alleles (0.00012%); highest among the groups gnomAD compares: African/African-American, 0.0027%; no homozygotes.

Submissions (4):

Labcorp Genetics (formerly Invitae), Labcorp
Classification: Uncertain significance for Hypertrophic cardiomyopathy. Last evaluated: 2025-02-20. Review status: criteria provided, single submitter. Criteria: Invitae Variant Classification Sherloc (09022015). Collection method: clinical testing. Allele origin: germline.
Comment: This sequence change replaces leucine, which is neutral and non-polar, with phenylalanine, which is neutral and non-polar, at codon 183 of the MYBPC3 protein (p.Leu183Phe). This variant is present in population databases (no rsID available, gnomAD 0.01%). This variant has not been reported in the literature in individuals affected with MYBPC3-related conditions. ClinVar contains an entry for this variant (Variation ID: 921004). An algorithm developed to predict the effect of missense changes on protein structure and function (PolyPhen-2) suggests that this variant is likely to be disruptive. In summary, the available evidence is currently insufficient to determine the role of this variant in disease. Therefore, it has been classified as a Variant of Uncertain Significance.

All of Us Research Program, National Institutes of Health
Classification: Uncertain significance for Hypertrophic cardiomyopathy. Last evaluated: 2024-07-29. Review status: criteria provided, single submitter. Criteria: ACMG Guidelines, 2015. Collection method: clinical testing. Allele origin: germline. Inheritance: Autosomal dominant inheritance. Observed: 1 variant allele, 1 heterozygote.
Comment: This missense variant replaces leucine with phenylalanine at codon 183 of the MYBPC3 protein. Computational prediction is inconclusive regarding the impact of this variant on protein structure and function (internally defined REVEL score threshold 0.5 < inconclusive < 0.7, PMID: 27666373). To our knowledge, functional studies have not been reported for this variant. This variant has not been reported in individuals affected with MYBPC3-related disorders in the literature. This variant has been identified in 1/31396 chromosomes in the general population by the Genome Aggregation Database (gnomAD). The available evidence is insufficient to determine the role of this variant in disease conclusively. Therefore, this variant is classified as a Variant of Uncertain Significance.

This study involves interpretation of variants in research participants for the purpose of population health screening. Participant phenotype was not available at the time of variant classification. Additional details can be found in publication PMID: 35346344, PMCID: PMC8962531

Ambry Genetics
Classification: Uncertain significance for Cardiovascular phenotype. Last evaluated: 2024-03-22. Review status: criteria provided, single submitter. Criteria: Ambry Variant Classification Scheme 2023. Collection method: clinical testing. Allele origin: germline.
Comment: The p.L183F variant (also known as c.547C>T), located in coding exon 5 of the MYBPC3 gene, results from a C to T substitution at nucleotide position 547. The leucine at codon 183 is replaced by phenylalanine, an amino acid with highly similar properties. This amino acid position is conserved. In addition, the in silico prediction for this alteration is inconclusive. Based on the available evidence, the clinical significance of this alteration remains unclear.

Color Diagnostics, LLC DBA Color Health
Classification: Uncertain significance for Cardiomyopathy. Last evaluated: 2023-12-05. Review status: criteria provided, single submitter. Criteria: ACMG Guidelines, 2015. Collection method: clinical testing. Allele origin: germline.
Comment: This missense variant replaces leucine with phenylalanine at codon 183 of the MYBPC3 protein. Computational prediction is inconclusive regarding the impact of this variant on protein structure and function (internally defined REVEL score threshold 0.5 < inconclusive < 0.7, PMID: 27666373). To our knowledge, functional studies have not been reported for this variant. This variant has not been reported in individuals affected with MYBPC3-related disorders in the literature. This variant has been identified in 1/31396 chromosomes in the general population by the Genome Aggregation Database (gnomAD). The available evidence is insufficient to determine the role of this variant in disease conclusively. Therefore, this variant is classified as a Variant of Uncertain Significance.